The following is an entry in ClinVar:

ClinVar aggregate classification (germline): Uncertain significance. Review status: criteria provided, multiple submitters, no conflicts (2 of 4 stars). 2 submissions from 2 submitters: Uncertain significance (2). Last evaluated 2021-11-28.

Conditions:
Inborn genetic diseases. Identifiers: MedGen C0950123, MeSH D030342.
MEGF8-related Carpenter syndrome. Also called: Carpenter syndrome 2. Identifiers: Orphanet 65759, MedGen C3554247, MONDO:0013998, OMIM 614976.

Allele frequency attached by ClinVar (database versions not stated): ExAC 0.00001; gnomAD 0.00001; gnomAD exomes 0.00001 and 0.00002; TOPMed 0.00006.
gnomAD v4.1: 8 of 1,612,304 alleles (0.0005%); highest among the groups gnomAD compares: African/African-American, 0.004%; no homozygotes.

Submissions (2):

Labcorp Genetics (formerly Invitae), Labcorp
Classification: Uncertain significance for MEGF8-related Carpenter syndrome. Last evaluated: 2021-11-28. Review status: criteria provided, single submitter. Criteria: Invitae Variant Classification Sherloc (09022015). Collection method: clinical testing. Allele origin: germline.
Comment: In summary, the available evidence is currently insufficient to determine the role of this variant in disease. Therefore, it has been classified as a Variant of Uncertain Significance. Algorithms developed to predict the effect of missense changes on protein structure and function are either unavailable or do not agree on the potential impact of this missense change (SIFT: "Deleterious"; PolyPhen-2: "Benign"; Align-GVGD: "Class C0"). ClinVar contains an entry for this variant (Variation ID: 1000586). This variant has not been reported in the literature in individuals affected with MEGF8-related conditions. This variant is present in population databases (rs766493787, gnomAD 0.01%). This sequence change replaces proline, which is neutral and non-polar, with leucine, which is neutral and non-polar, at codon 1855 of the MEGF8 protein (p.Pro1855Leu).

Ambry Genetics
Classification: Uncertain significance for Inborn genetic diseases. Last evaluated: 2021-07-26. Review status: criteria provided, single submitter. Criteria: Ambry Variant Classification Scheme 2023. Collection method: clinical testing. Allele origin: germline.

NM_001271938.2(MEGF8):c.5765C>T (p.Pro1922Leu)

Gene: MEGF8 (multiple EGF like domains 8; plus strand). Cytogenetic location: 19q13.2.
Variant type: single nucleotide variant.
Coding change: c.5765C>T on transcript NM_001271938.2 (MANE Select); coding-DNA position 5765, C replaced by T.
Protein change: p.Pro1922Leu; replaces proline 1922 with leucine.
Molecular consequence: missense variant.
Genome position (GRCh38, 1-based): chr19:42,362,134, C>T. VCF-style: chr19-42362134-C-T. GRCh37 (hg19) VCF-style: chr19-42866286-C-T.
Other names: c.5564C>T, p.Pro1855Leu (NM_001410.3); c.5564C>T (NM_001410.2); short protein forms P1855L, P1922L.
Identifiers: ClinVar variation 1000586 (VCV001000586.7), dbSNP rs766493787, ClinGen allele CA9475687.
Genomic context (GRCh38, chr19:42,362,134, plus strand): 5'-GCCTCATGTCCTTTAGGCTGGGCTGCGGGGGCTCCCCCTGCTCCCCAATGCCTCGCTCCC[C>T]GGAGGAATGTCGACGTCTCCGGACCTGCAGTGAGTGCCTGGCCCGCCATCCTCGGACCCT-3'
Protein context (NP_001258867.1, residues 1912-1932): GSPCSPMPRS[Pro1922Leu]EECRRLRTCS